The following is an entry in ClinVar:

NM_014727.3(KMT2B):c.999_1001del (p.Glu334del)

Gene: KMT2B (lysine methyltransferase 2B; plus strand). Cytogenetic location: 19q13.12.
Variant type: Deletion.
Coding change: c.999_1001del on transcript NM_014727.3 (MANE Select); coding-DNA positions 999 to 1001, 3 bases deleted (GGA; older notation c.999_1001delGGA).
Protein change: p.Glu334del; deletes glutamic acid 334.
Molecular consequence: inframe deletion.
Genome position (GRCh38, 1-based): chr19:35,720,346-35,720,348, GGA deleted; deleting any 3 consecutive bases within chr19:35,720,344-35,720,348 gives the same sequence; the c. name uses the placement nearest the transcript's 3' end. VCF-style (leftmost placement, unchanged base first): chr19-35720343-TGAG-T. GRCh37 (hg19) VCF-style: chr19-36211245-TGAG-T.
Other names: short protein forms E334del.
Identifiers: ClinVar variation 2708885 (VCV002708885.3), dbSNP rs2513313468, ClinGen allele CA2697556446.
Genomic context (GRCh38, chr19:35,720,343, plus strand): 5'-AAAAGTAAAGATGGGACAATTGTCCTTGGGACTCGAATCAGGTCAAGGTCAAGGTCAACA[TGAG>T]GAAAGTTGGCAGGATGTCCCCCAAAGAAGAGTTGGATCTGGACAGGGAGGGAGCCCTTGC-3'

ClinVar aggregate classification (germline): Uncertain significance (1 of 4 stars; one submission).

Submission:

Labcorp Genetics (formerly Invitae), Labcorp
Classification: Uncertain significance. Last evaluated: 2024-01-11. Review status: criteria provided, single submitter. Criteria: Invitae Variant Classification Sherloc (09022015). Collection method: clinical testing. Allele origin: germline.
Comment: This variant, c.999_1001del, results in the deletion of 1 amino acid(s) of the KMT2B protein (p.Glu334del), but otherwise preserves the integrity of the reading frame. This variant is not present in population databases (gnomAD no frequency). This variant has been observed in individual(s) with dystonia (Invitae). Experimental studies and prediction algorithms are not available or were not evaluated, and the functional significance of this variant is currently unknown. In summary, the available evidence is currently insufficient to determine the role of this variant in disease. Therefore, it has been classified as a Variant of Uncertain Significance.